The following is an entry in ClinVar:

ClinVar aggregate classification (germline): Likely pathogenic (1 of 4 stars; one submission).

Conditions:
Neurofibromatosis, type 1 (NF1). Also called: Peripheral type neurofibromatosis; NEUROFIBROMATOSIS, TYPE I, SOMATIC; VON RECKLINGHAUSEN DISEASE; Neurofibromatosis, type I. Identifiers: Orphanet 636, MedGen C0027831, MONDO:0018975, OMIM 162200. Disease mechanism: loss of function.

Submission:

3billion
Classification: Likely pathogenic for Neurofibromatosis, type 1. Last evaluated: 2025-12-18. Review status: criteria provided, single submitter. Criteria: ACMG Guidelines, 2015. Collection method: clinical testing. Allele origin: germline. Affected: yes.
Comment: The variant is not observed in the gnomAD v4.1.0 dataset. Predicted Consequence/Location: Frameshift: predicted to result in a loss or disruption of normal protein function through nonsense-mediated decay (NMD) or protein truncation. Multiple pathogenic variants are reported downstream of the variant. Therefore, this variant is classified as Likely pathogenic according to the recommendation of ACMG/AMP guideline.

NM_001042492.3(NF1):c.1418_1419del (p.Thr473fs)

Gene: NF1 (neurofibromin 1; plus strand). Cytogenetic location: 17q11.2.
Variant type: Deletion.
Coding change: c.1418_1419del on transcript NM_001042492.3 (MANE Select); coding-DNA positions 1418 to 1419, 2 bases deleted (CA; older notation c.1418_1419delCA).
Protein change: p.Thr473fs; shifts the reading frame from threonine 473.
Molecular consequence: frameshift variant.
Genome position (GRCh38, 1-based): chr17:31,214,476-31,214,477, CA deleted; deleting any 2 consecutive bases within chr17:31,214,475-31,214,477 gives the same sequence; the c. name uses the placement nearest the transcript's 3' end. VCF-style (leftmost placement, unchanged base first): chr17-31214474-AAC-A. GRCh37 (hg19) VCF-style: chr17-29541492-AAC-A.
Other names: c.1418_1419del, p.Thr473fs (NM_000267.4, NM_001128147.3); short protein forms T473fs.
Identifiers: ClinVar variation 4856274 (VCV004856274.1).